The following is an entry in ClinVar:

ClinVar aggregate classification (germline): Likely benign. Review status: criteria provided, multiple submitters, no conflicts (2 of 4 stars). 3 submissions from 3 submitters: Likely benign (2). 1 of the submissions does not count toward it. Last evaluated 2026-05-01.

Conditions:
PIDD1-related disorder. Also called: PIDD1-related condition.
Inborn genetic diseases. Identifiers: MedGen C0950123, MeSH D030342.

Allele frequency attached by ClinVar (database versions not stated): gnomAD exomes 0.00033; ExAC 0.00106; 1000 Genomes Project 30x 0.00156; 1000 Genomes Project 0.00180; gnomAD 0.00314; TOPMed 0.00336; ESP Exome Variant Server 0.00362.
gnomAD v4.1: 968 of 1,578,534 alleles (0.061%); highest among the groups gnomAD compares: African/African-American, 1.1%; 4 homozygotes.

Submissions (3):

CeGaT Center for Human Genetics Tuebingen
Classification: Likely benign. Last evaluated: 2026-05-01. Review status: criteria provided, single submitter. Criteria: CeGaT Center For Human Genetics Tuebingen Variant Classification Criteria Version 2. Collection method: clinical testing. Allele origin: germline. Affected: yes. Observed: 3 variant alleles.
Comment: PIDD1: BS1

Ambry Genetics
Classification: Likely benign for Inborn genetic diseases. Last evaluated: 2025-04-20. Review status: criteria provided, single submitter. Criteria: Ambry Variant Classification Scheme 2023. Collection method: clinical testing. Allele origin: germline.

PreventionGenetics, part of Exact Sciences
Classification: Benign for PIDD1-related condition. Last evaluated: 2019-05-28. Review status: no assertion criteria provided. Collection method: clinical testing. Allele origin: germline. Not counted in ClinVar's aggregate classification.
Comment: This variant is classified as benign based on ACMG/AMP sequence variant interpretation guidelines (Richards et al. 2015 PMID: 25741868, with internal and published modifications).

NM_145886.4(PIDD1):c.1580G>T (p.Ser527Ile)

Gene: PIDD1 (p53-induced death domain protein 1; minus strand). Cytogenetic location: 11p15.5.
Variant type: single nucleotide variant.
Coding change: c.1580G>T on transcript NM_145886.4 (MANE Select); coding-DNA position 1580, G replaced by T.
Protein change: p.Ser527Ile; replaces serine 527 with isoleucine.
Molecular consequence: missense variant.
Genome position (GRCh38, 1-based): chr11:801,268, C>A on the plus strand (G>T on the coding strand, the complement: PIDD1 is on the minus strand). VCF-style: chr11-801268-C-A. GRCh37 (hg19) VCF-style: chr11-801268-C-A.
Other names: c.1580G>T, p.Ser527Ile (NM_145887.4); short protein forms S527I.
Identifiers: ClinVar variation 3038629 (VCV003038629.11), dbSNP rs115111427, ClinGen allele CA5789960.